The following is an entry in ClinVar:

NC_000007.14:g.129774734A>G

Gene: MIR96 (microRNA 96; minus strand). Cytogenetic location: 7q32.2.
Variant type: single nucleotide variant.
Molecular consequence: non-coding transcript variant (on NR_029512.1).
Genome position: GRCh38 VCF-style: chr7-129774734-A-G. GRCh37 (hg19) VCF-style: chr7-129414574-A-G.
Identifiers: ClinVar variation 163977 (VCV000163977.35), dbSNP rs41274239, ClinGen allele CA176731.

ClinVar aggregate classification (germline): Benign/Likely benign. Review status: criteria provided, multiple submitters, no conflicts (2 of 4 stars). 6 submissions from 6 submitters: Benign (3); Likely benign (3). Last evaluated 2026-09-01.

Allele frequency attached by ClinVar (database versions not stated): 1000 Genomes Project 0.00100; 1000 Genomes Project 30x 0.00125; TOPMed 0.00250; ExAC 0.00284; gnomAD exomes 0.00295 and 0.00342; gnomAD 0.00313 and 0.00326; ESP Exome Variant Server 0.00334.

Submissions (6):

CeGaT Center for Human Genetics Tuebingen
Classification: Likely benign. Last evaluated: 2026-09-01. Review status: criteria provided, single submitter. Criteria: CeGaT Center For Human Genetics Tuebingen Variant Classification Criteria Version 2. Collection method: clinical testing. Allele origin: germline. Affected: yes. Observed: 6 variant alleles.
Comment: MIR96: BS2

Labcorp Genetics (formerly Invitae), Labcorp
Classification: Benign. Last evaluated: 2026-01-19. Review status: criteria provided, single submitter. Criteria: Invitae Variant Classification Sherloc (09022015). Collection method: clinical testing. Allele origin: germline.

Blueprint Genetics
Classification: Likely benign. Last evaluated: 2024-11-19. Review status: criteria provided, single submitter. Criteria: ACMG Guidelines, 2015. Collection method: clinical testing. Allele origin: germline.

Athena Diagnostics
Classification: Benign. Last evaluated: 2019-07-15. Review status: criteria provided, single submitter. Criteria: Athena Diagnostics Criteria. Collection method: clinical testing. Allele origin: germline.

GeneDx
Classification: Likely benign. Last evaluated: 2017-12-06. Review status: criteria provided, single submitter. Criteria: GeneDx Variant Classification (06012015). Collection method: clinical testing. Allele origin: germline. Affected: yes.
Comment: This variant is considered likely benign or benign based on one or more of the following criteria: it is a conservative change, it occurs at a poorly conserved position in the protein, it is predicted to be benign by multiple in silico algorithms, and/or has population frequency not consistent with disease.

Laboratory for Molecular Medicine, Mass General Brigham Personalized Medicine
Classification: Benign. Last evaluated: 2013-10-05. Review status: criteria provided, single submitter. Criteria: LMM Criteria. Collection method: clinical testing. Allele origin: germline. Observed: 8 variant alleles.
Comment: 36T>C in Exon 1 of MIR96: This variant is not expected to have clinical signific ance because it has been identified in 0.7% (5/725) of American European and Eur opean chromosomes by the 1000 Genome Project (dbSNP rs41274239) as well as 0.4% (28/7102) of European American chromosomes from a b road population by the NHLBI Exome Sequencing Project (. edu/EVS/), and is not located in the seed region of the miRNA.

Literature cited by the submitters: PubMed 19363479 (cited by Athena Diagnostics); PubMed 31273931 (cited by Athena Diagnostics).